The following is an entry in ClinVar:

ClinVar aggregate classification (germline): Uncertain significance (1 of 4 stars; one submission).

Submission:

GeneDx
Classification: Uncertain significance. Last evaluated: 2023-05-30. Review status: criteria provided, single submitter. Criteria: GeneDx Variant Classification Process June 2021. Collection method: clinical testing. Allele origin: germline. Affected: yes.
Comment: Nonsense variant predicted to result in protein truncation as the last 100 amino acids are lost in a gene for which loss-of-function is not an established mechanism of disease; Not observed at significant frequency in large population cohorts (gnomAD); Has not been previously published as pathogenic or benign to our knowledge

NM_021954.4(GJA3):c.1006C>T (p.Gln336Ter)

Gene: GJA3 (gap junction protein alpha 3; minus strand). Cytogenetic location: 13q12.11.
Variant type: single nucleotide variant.
Coding change: c.1006C>T on transcript NM_021954.4 (MANE Select); coding-DNA position 1006, C replaced by T.
Protein change: p.Gln336Ter; replaces glutamine 336 with a stop codon.
Molecular consequence: nonsense.
Genome position (GRCh38, 1-based): chr13:20,142,283, G>A on the plus strand (C>T on the coding strand, the complement: GJA3 is on the minus strand). VCF-style: chr13-20142283-G-A. GRCh37 (hg19) VCF-style: chr13-20716422-G-A.
Other names: short protein forms Q336*.
Identifiers: ClinVar variation 3362114 (VCV003362114.1).